The following is an entry in ClinVar:

ClinVar aggregate classification (germline): Benign/Likely benign. Review status: criteria provided, multiple submitters, no conflicts (2 of 4 stars). 11 submissions from 11 submitters: Benign (4); Likely benign (3). 4 of the submissions do not count toward it. Last evaluated 2026-07-01.

Conditions:
Usher syndrome type 2C. Also called: Usher syndrome, type 2B; USHER SYNDROME, TYPE IIC. Identifiers: Orphanet 231178, Orphanet 886, MedGen C2931213, MONDO:0011558, OMIM 605472.

Allele frequency attached by ClinVar (database versions not stated): gnomAD 0.00159 and 0.00123; gnomAD exomes 0.00210 and 0.00257; 1000 Genomes Project 30x 0.00219; 1000 Genomes Project 0.00240; TOPMed 0.00155; ExAC 0.00336; ESP Exome Variant Server 0.00177.
gnomAD v4.1: 3,407 of 1,609,442 alleles (0.21%); highest among the groups gnomAD compares: Middle Eastern, 1.9%; 27 homozygotes.

Submissions (11):

CeGaT Center for Human Genetics Tuebingen
Classification: Likely benign. Last evaluated: 2026-07-01. Review status: criteria provided, single submitter. Criteria: CeGaT Center For Human Genetics Tuebingen Variant Classification Criteria Version 2. Collection method: clinical testing. Allele origin: germline. Affected: yes. Observed: 10 variant alleles.
Comment: ADGRV1: BP4, BS2

Labcorp Genetics (formerly Invitae), Labcorp
Classification: Benign. Last evaluated: 2026-02-02. Review status: criteria provided, single submitter. Criteria: Invitae Variant Classification Sherloc (09022015). Collection method: clinical testing. Allele origin: germline.

GeneDx
Classification: Benign. Last evaluated: 2018-06-12. Review status: criteria provided, single submitter. Criteria: GeneDx Variant Classification (06012015). Collection method: clinical testing. Allele origin: germline. Affected: yes.
Comment: This variant is considered likely benign or benign based on one or more of the following criteria: it is a conservative change, it occurs at a poorly conserved position in the protein, it is predicted to be benign by multiple in silico algorithms, and/or has population frequency not consistent with disease.

Illumina Laboratory Services, Illumina
Classification: Likely benign for Usher syndrome type 2C. Last evaluated: 2018-01-12. Review status: criteria provided, single submitter. Criteria: ICSL Variant Classification Criteria 13 December 2019. Collection method: clinical testing. Allele origin: germline.
Comment: This variant was observed in the ICSL laboratory as part of a predisposition screen in an ostensibly healthy population. It had not been previously curated by ICSL or reported in the Human Gene Mutation Database (HGMD: prior to June 1st, 2018), and was therefore a candidate for classification through an automated scoring system. Utilizing variant allele frequency, disease prevalence and penetrance estimates, and inheritance mode, an automated score was calculated to assess if this variant is too frequent to cause the disease. Based on the score and internal cut-off values, a variant classified as likely benign is not then subjected to further curation. The score for this variant resulted in a classification of likely benign for this disease.

Eurofins Ntd Llc (ga)
Classification: Benign. Last evaluated: 2015-10-16. Review status: criteria provided, single submitter. Criteria: EGL Classification Definitions 2015. Collection method: clinical testing. Allele origin: germline. Observed: 2 variant alleles, 2 heterozygotes.

Laboratory for Molecular Medicine, Mass General Brigham Personalized Medicine
Classification: Benign. Last evaluated: 2015-02-02. Review status: criteria provided, single submitter. Criteria: LMM Criteria. Collection method: clinical testing. Allele origin: germline. Observed: 14 variant alleles.
Comment: Val2203Ala in exon 30 of GPR98: This variant is not expected to have clinical si gnificance because it has been identified in 1% (121/12344) of South Asian chro mosomes with 2 homozygotes by the Exome Aggregation Consortium (ExAC.

Breakthrough Genomics
Classification: Likely benign. Review status: criteria provided, single submitter. Criteria: ACMG Guidelines, 2015. Collection method: not provided. Allele origin: germline. Inheritance: Autosomal recessive inheritance. Affected: yes.

Clinical Genetics DNA and cytogenetics Diagnostics Lab, Erasmus MC, Erasmus Medical Center
Classification: Likely benign. Review status: no assertion criteria provided. Collection method: clinical testing. Allele origin: germline. Affected: yes. Study: VKGL Data-share Consensus. Not counted in ClinVar's aggregate classification.

Clinical Genetics, Academic Medical Center
Classification: Benign. Review status: no assertion criteria provided. Collection method: clinical testing. Allele origin: germline. Affected: yes. Study: VKGL Data-share Consensus. Not counted in ClinVar's aggregate classification.

Diagnostic Laboratory, Department of Genetics, University Medical Center Groningen
Classification: Likely benign. Review status: no assertion criteria provided. Collection method: clinical testing. Allele origin: germline. Affected: yes. Study: VKGL Data-share Consensus. Not counted in ClinVar's aggregate classification.

Genome Diagnostics Laboratory, University Medical Center Utrecht
Classification: Likely benign. Review status: no assertion criteria provided. Collection method: clinical testing. Allele origin: germline. Affected: yes. Study: VKGL Data-share Consensus. Not counted in ClinVar's aggregate classification.

Literature cited by the submitters: PubMed 22135276 (cited by Laboratory for Molecular Medicine, Mass General Brigham Personalized Medicine).

NM_032119.4(ADGRV1):c.6608T>C (p.Val2203Ala)

Gene: ADGRV1 (adhesion G protein-coupled receptor V1; plus strand). Cytogenetic location: 5q14.3.
Variant type: single nucleotide variant.
Coding change: c.6608T>C on transcript NM_032119.4 (MANE Select); coding-DNA position 6608, T replaced by C.
Protein change: p.Val2203Ala; replaces valine 2203 with alanine.
Molecular consequence: missense variant. On other transcripts: non-coding transcript variant (1).
Genome position (GRCh38, 1-based): chr5:90,689,978, T>C. VCF-style: chr5-90689978-T-C. GRCh37 (hg19) VCF-style: chr5-89985795-T-C.
Other names: short protein forms V2203A.
Identifiers: ClinVar variation 46354 (VCV000046354.64), dbSNP rs200055351, ClinGen allele CA138179.